The following is an entry in ClinVar:

ClinVar aggregate classification (germline): Uncertain significance. Review status: criteria provided, multiple submitters, no conflicts (2 of 4 stars). 2 submissions from 2 submitters: Uncertain significance (2). Last evaluated 2024-12-04.

Conditions:
Long QT syndrome (LQTS). Identifiers: MedGen C0023976, MeSH D008133, MONDO:0002442. Disease mechanism: loss of function. Inheritance: Various modes of inheritance.
Cardiovascular phenotype. Identifiers: MedGen CN230736.

gnomAD v4.1: 3 of 1,614,114 alleles (0.00019%); highest among the groups gnomAD compares: South Asian, 0.0011%; no homozygotes.

Submissions (2):

Labcorp Genetics (formerly Invitae), Labcorp
Classification: Uncertain significance for Long QT syndrome. Last evaluated: 2024-12-04. Review status: criteria provided, single submitter. Criteria: Invitae Variant Classification Sherloc (09022015). Collection method: clinical testing. Allele origin: germline.
Comment: This sequence change replaces arginine, which is basic and polar, with histidine, which is basic and polar, at codon 1062 of the ANK2 protein (p.Arg1062His). This variant is not present in population databases (gnomAD no frequency). This variant has not been reported in the literature in individuals affected with ANK2-related conditions. ClinVar contains an entry for this variant (Variation ID: 1728579). An algorithm developed to predict the effect of missense changes on protein structure and function (PolyPhen-2) suggests that this variant is likely to be disruptive. In summary, the available evidence is currently insufficient to determine the role of this variant in disease. Therefore, it has been classified as a Variant of Uncertain Significance.

Ambry Genetics
Classification: Uncertain significance for Cardiovascular phenotype. Last evaluated: 2022-10-07. Review status: criteria provided, single submitter. Criteria: Ambry Variant Classification Scheme 2023. Collection method: clinical testing. Allele origin: germline.
Comment: The p.R1062H variant (also known as c.3185G>A), located in coding exon 28 of the ANK2 gene, results from a G to A substitution at nucleotide position 3185. The arginine at codon 1062 is replaced by histidine, an amino acid with highly similar properties. This amino acid position is conserved. In addition, the in silico prediction for this alteration is inconclusive. Since supporting evidence is limited at this time, the clinical significance of this alteration remains unclear.

NM_001148.6(ANK2):c.3185G>A (p.Arg1062His)

Gene: ANK2 (ankyrin 2; plus strand). Cytogenetic location: 4q26.
Variant type: single nucleotide variant.
Coding change: c.3185G>A on transcript NM_001148.6 (MANE Select); coding-DNA position 3185, G replaced by A.
Protein change: p.Arg1062His; replaces arginine 1062 with histidine.
Molecular consequence: missense variant. On other transcripts: intron variant (42).
Genome position (GRCh38, 1-based): chr4:113,332,031, G>A. VCF-style: chr4-113332031-G-A. GRCh37 (hg19) VCF-style: chr4-114253187-G-A.
Other names: c.3158G>A, p.Arg1053His (NM_001127493.3); c.3227G>A, p.Arg1076His (NM_001354242.2, NM_001354231.2); c.3122G>A, p.Arg1041His (NM_001354243.2, NM_001354255.2, NM_001386143.1); c.3119G>A, p.Arg1040His (NM_001354244.2, NM_001354256.2, NM_001386161.1); c.3182G>A, p.Arg1061His (NM_001354246.2, NM_001354265.2, NM_001354235.2); c.3155G>A, p.Arg1052His (NM_001354252.2, NM_001354239.2); c.3134G>A, p.Arg1045His (NM_001354254.2); c.2972G>A, p.Arg991His (NM_001354269.3); and 28 more; short protein forms R1052H, R1074H, R1088H, R991H, R1040H, R1053H, R1109H, R1062H.
Identifiers: ClinVar variation 1728579 (VCV001728579.4), dbSNP rs760265335, ClinGen allele CA103823768.